The following is an entry in ClinVar:

NM_138420.4(AHNAK2):c.4699T>C (p.Ser1567Pro)

Gene: AHNAK2 (AHNAK nucleoprotein 2; minus strand). Cytogenetic location: 14q32.33.
Variant type: single nucleotide variant.
Coding change: c.4699T>C on transcript NM_138420.4 (MANE Select); coding-DNA position 4699, T replaced by C.
Protein change: p.Ser1567Pro; replaces serine 1567 with proline.
Molecular consequence: missense variant.
Genome position (GRCh38, 1-based): chr14:104,950,752, A>G on the plus strand (T>C on the coding strand, the complement: AHNAK2 is on the minus strand). VCF-style: chr14-104950752-A-G. GRCh37 (hg19) VCF-style: chr14-105417089-A-G.
Other names: c.4399T>C, p.Ser1467Pro (NM_001350929.2); c.4699T>C (NM_138420.2); short protein forms S1467P, S1567P.
Identifiers: ClinVar variation 2644821 (VCV002644821.25), dbSNP rs566793012, ClinGen allele CA7382269.

ClinVar aggregate classification (germline): Likely benign. Review status: criteria provided, multiple submitters, no conflicts (2 of 4 stars). 2 submissions from 2 submitters: Likely benign (2). Last evaluated 2023-04-01.

Allele frequency attached by ClinVar (database versions not stated): gnomAD exomes 0.00021; ExAC 0.00024; 1000 Genomes Project 0.00080; 1000 Genomes Project 30x 0.00203.

Submissions (2):

CeGaT Center for Human Genetics Tuebingen
Classification: Likely benign. Last evaluated: 2023-04-01. Review status: criteria provided, single submitter. Criteria: CeGaT Center For Human Genetics Tuebingen Variant Classification Criteria Version 2. Collection method: clinical testing. Allele origin: germline. Affected: yes. Observed: 1 variant allele.
Comment: AHNAK2: BP4, BS2

Ambry Genetics
Classification: Likely benign. Last evaluated: 2021-12-08. Review status: criteria provided, single submitter. Criteria: Ambry Variant Classification Scheme 2023. Collection method: clinical testing. Allele origin: germline.